The following is an entry in ClinVar:

NM_006946.4(SPTBN2):c.532G>A (p.Ala178Thr)

Gene: SPTBN2 (spectrin beta, non-erythrocytic 2; minus strand). Cytogenetic location: 11q13.2.
Variant type: single nucleotide variant.
Coding change: c.532G>A on transcript NM_006946.4 (MANE Select); coding-DNA position 532, G replaced by A.
Protein change: p.Ala178Thr; replaces alanine 178 with threonine.
Molecular consequence: missense variant.
Genome position (GRCh38, 1-based): chr11:66,714,359, C>T on the plus strand (G>A on the coding strand, the complement: SPTBN2 is on the minus strand). VCF-style: chr11-66714359-C-T. GRCh37 (hg19) VCF-style: chr11-66481830-C-T.
Other names: short protein forms A178T.
Identifiers: ClinVar variation 393054 (VCV000393054.3), dbSNP rs1057524761, ClinGen allele CA16606980.

ClinVar aggregate classification (germline): Likely pathogenic (1 of 4 stars; one submission).

Submission:

GeneDx
Classification: Likely pathogenic. Last evaluated: 2019-09-30. Review status: criteria provided, single submitter. Criteria: GeneDx Variant Classification Process June 2021. Collection method: clinical testing. Allele origin: germline. Affected: yes.
Comment: Not observed in large population cohorts (Lek et al., 2016); In silico analysis, which includes protein predictors and evolutionary conservation, supports a deleterious effect; Has not been previously published as pathogenic or benign to our knowledge